The following is an entry in ClinVar:

ClinVar aggregate classification (germline): Uncertain significance. Review status: criteria provided, multiple submitters, no conflicts (2 of 4 stars). 5 submissions from 5 submitters: Uncertain significance (5). Last evaluated 2026-09-22.

Conditions:
PLEC-related disorder. Also called: PLEC-related disorders; PLEC-related condition.
Epidermolysis bullosa simplex with nail dystrophy (EBS5D). Identifiers: MedGen C4225309, MONDO:0014661, OMIM 616487.
Autosomal recessive limb-girdle muscular dystrophy type 2Q (LGMDR17). Also called: MUSCULAR DYSTROPHY, LIMB-GIRDLE, AUTOSOMAL RECESSIVE 17. Identifiers: Orphanet 254361, MedGen C3150989, MONDO:0013390, OMIM 613723.
Epidermolysis bullosa simplex 5C, with pyloric atresia (EBS5C). Also called: PLEC-Related Epidermolysis Bullosa with Pyloric Atresia; Epidermolysis bullosa simplex with pyloric atresia; PLEC1-Related Epidermolysis Bullosa with Pyloric Atresia. Identifiers: Orphanet 158684, MedGen C2677349, MONDO:0012807, OMIM 612138.
Epidermolysis bullosa simplex 5B, with muscular dystrophy (EBS5B). Also called: EPIDERMOLYSIS BULLOSA SIMPLEX AND LIMB-GIRDLE MUSCULAR DYSTROPHY; Epidermolysis bullosa simplex with muscular dystrophy. Identifiers: Orphanet 257, MedGen C2931072, MONDO:0009181, OMIM 226670.
Epidermolysis bullosa simplex, Ogna type (EBS5A). Also called: Pidermolysis bullosa simplex 5A, Ogna type; EPIDERMOLYSIS BULLOSA SIMPLEX 5A, OGNA TYPE. Identifiers: Orphanet 79401, MedGen C0432317, MONDO:0007555, OMIM 131950.
Inborn genetic diseases. Identifiers: MedGen C0950123, MeSH D030342.

Allele frequency attached by ClinVar (database versions not stated): ExAC 0.00001; TOPMed 0.00001; gnomAD exomes 0.00002 and 0.00003; gnomAD 0.00003.
gnomAD v4.1: 46 of 1,610,688 alleles (0.0029%); highest among the groups gnomAD compares: Admixed American, 0.0033%; no homozygotes.

Submissions (5):

PreventionGenetics, part of Exact Sciences
Classification: Uncertain significance for PLEC-related condition. Last evaluated: 2026-09-22. Review status: criteria provided, single submitter. Criteria: ACMG Guidelines, 2015. Collection method: clinical testing. Allele origin: germline.
Comment: The PLEC c.6601G>A variant is predicted to result in the amino acid substitution p.Ala2201Thr. To our knowledge, this variant has not been reported in the literature. This variant is reported in 0.0033% of alleles in individuals of South Asian descent in gnomAD. At this time, the clinical significance of this variant is uncertain due to the absence of conclusive functional and genetic evidence.

Labcorp Genetics (formerly Invitae), Labcorp
Classification: Uncertain significance for Autosomal recessive limb-girdle muscular dystrophy type 2Q; Epidermolysis bullosa simplex, Ogna type; Epidermolysis bullosa simplex with nail dystrophy; Epidermolysis bullosa simplex 5C, with pyloric atresia; Epidermolysis bullosa simplex 5B, with muscular dystrophy. Last evaluated: 2025-01-15. Review status: criteria provided, single submitter. Criteria: Invitae Variant Classification Sherloc (09022015). Collection method: clinical testing. Allele origin: germline.
Comment: This sequence change replaces alanine, which is neutral and non-polar, with threonine, which is neutral and polar, at codon 2201 of the PLEC protein (p.Ala2201Thr). This variant is present in population databases (rs782018578, gnomAD 0.003%). This variant has not been reported in the literature in individuals affected with PLEC-related conditions. ClinVar contains an entry for this variant (Variation ID: 281958). An algorithm developed to predict the effect of missense changes on protein structure and function (PolyPhen-2) suggests that this variant is likely to be disruptive. In summary, the available evidence is currently insufficient to determine the role of this variant in disease. Therefore, it has been classified as a Variant of Uncertain Significance.

Ambry Genetics
Classification: Uncertain significance for Inborn genetic diseases. Last evaluated: 2021-10-26. Review status: criteria provided, single submitter. Criteria: Ambry Variant Classification Scheme 2023. Collection method: clinical testing. Allele origin: germline.

Revvity Omics, Revvity
Classification: Uncertain significance. Last evaluated: 2020-01-03. Review status: criteria provided, single submitter. Criteria: ACMG Guidelines, 2015. Collection method: clinical testing. Allele origin: germline.

Eurofins Ntd Llc (ga)
Classification: Uncertain significance. Last evaluated: 2015-07-14. Review status: criteria provided, single submitter. Criteria: EGL Classification Definitions 2015. Collection method: clinical testing. Allele origin: germline. Observed: 2 variant alleles, 2 heterozygotes.

NM_201384.3(PLEC):c.6520G>A (p.Ala2174Thr)

Gene: PLEC (plectin; minus strand). Cytogenetic location: 8q24.3.
Variant type: single nucleotide variant.
Coding change: c.6520G>A on transcript NM_201384.3 (MANE Select); coding-DNA position 6520, G replaced by A.
Protein change: p.Ala2174Thr; replaces alanine 2174 with threonine.
Molecular consequence: missense variant.
Genome position (GRCh38, 1-based): chr8:143,923,409, C>T on the plus strand (G>A on the coding strand, the complement: PLEC is on the minus strand). VCF-style: chr8-143923409-C-T. GRCh37 (hg19) VCF-style: chr8-144997577-C-T.
Other names: c.6601G>A, p.Ala2201Thr (NM_000445.5); c.6478G>A, p.Ala2160Thr (NM_201378.4); c.6454G>A, p.Ala2152Thr (NM_201379.3); c.6931G>A, p.Ala2311Thr (NM_201380.4); c.6424G>A, p.Ala2142Thr (NM_201381.3); c.6520G>A, p.Ala2174Thr (NM_201382.4); c.6532G>A, p.Ala2178Thr (NM_201383.3); c.6601G>A (NM_000445.4, NM_000445.3); short protein forms A2174T, A2311T, A2160T, A2178T, A2142T, A2152T, A2201T.
Identifiers: ClinVar variation 281958 (VCV000281958.14), dbSNP rs782018578, ClinGen allele CA4925955.